The following is an entry in ClinVar:

ClinVar aggregate classification (germline): Uncertain significance (1 of 4 stars; one submission).

Submission:

Labcorp Genetics (formerly Invitae), Labcorp
Classification: Uncertain significance. Last evaluated: 2025-07-13. Review status: criteria provided, single submitter. Criteria: Invitae Variant Classification Sherloc (09022015). Collection method: clinical testing. Allele origin: germline.
Comment: This sequence change replaces alanine, which is neutral and non-polar, with glutamic acid, which is acidic and polar, at codon 982 of the GRIN2D protein (p.Ala982Glu). The frequency data for this variant in the population databases is considered unreliable, as metrics indicate insufficient coverage at this position in the gnomAD database. This variant has not been reported in the literature in individuals affected with GRIN2D-related conditions. ClinVar contains an entry for this variant (Variation ID: 1399874). Invitae Evidence Modeling of protein sequence and biophysical properties (such as structural, functional, and spatial information, amino acid conservation, physicochemical variation, residue mobility, and thermodynamic stability) indicates that this missense variant is not expected to disrupt GRIN2D protein function with a negative predictive value of 95%. In summary, the available evidence is currently insufficient to determine the role of this variant in disease. Therefore, it has been classified as a Variant of Uncertain Significance.

NM_000836.4(GRIN2D):c.2945C>A (p.Ala982Glu)

Gene: GRIN2D (glutamate ionotropic receptor NMDA type subunit 2D; plus strand). Cytogenetic location: 19q13.33.
Variant type: single nucleotide variant.
Coding change: c.2945C>A on transcript NM_000836.4 (MANE Select); coding-DNA position 2945, C replaced by A.
Protein change: p.Ala982Glu; replaces alanine 982 with glutamic acid.
Molecular consequence: missense variant.
Genome position (GRCh38, 1-based): chr19:48,442,871, C>A. VCF-style: chr19-48442871-C-A. GRCh37 (hg19) VCF-style: chr19-48946128-C-A.
Other names: short protein forms A982E.
Identifiers: ClinVar variation 1399874 (VCV001399874.8), dbSNP rs968913408, ClinGen allele CA406674362.
Genomic context (GRCh38, chr19:48,442,871, plus strand): 5'-ACCGCTACTACGGCCCCATCGAGCCGCAGGGCCTAGGCCTCGGCCTGGGCGAAGCGCGCG[C>A]GGCACCGCGGGGCGCAGCCGGGCGCCCGCTGTCCCCGCCGGCCGCTCAGCCCCCGCAGAA-3'
Protein context (NP_000827.2, residues 972-992): GLGLGLGEAR[Ala982Glu]APRGAAGRPL